The following is an entry in ClinVar:

NM_019109.5(ALG1):c.832G>A (p.Ala278Thr)

Gene: ALG1 (ALG1 chitobiosyldiphosphodolichol beta-mannosyltransferase; plus strand). Cytogenetic location: 16p13.3.
Variant type: single nucleotide variant.
Coding change: c.832G>A on transcript NM_019109.5 (MANE Select); coding-DNA position 832, G replaced by A.
Protein change: p.Ala278Thr; replaces alanine 278 with threonine.
Molecular consequence: missense variant.
Genome position (GRCh38, 1-based): chr16:5,078,848, G>A. VCF-style: chr16-5078848-G-A. GRCh37 (hg19) VCF-style: chr16-5128849-G-A.
Other names: c.499G>A, p.Ala167Thr (NM_001330504.2); c.832G>A (NM_019109.4); short protein forms A167T, A278T.
Identifiers: ClinVar variation 1365848 (VCV001365848.9), dbSNP rs1364564952, ClinGen allele CA394681834.

ClinVar aggregate classification (germline): Uncertain significance. Review status: criteria provided, multiple submitters, no conflicts (2 of 4 stars). 2 submissions from 2 submitters: Uncertain significance (2). Last evaluated 2025-12-10.

Conditions:
Inborn genetic diseases. Identifiers: MedGen C0950123, MeSH D030342.
ALG1-congenital disorder of glycosylation. Also called: CDG Ik; ALG1-CDG; CONGENITAL DISORDER OF GLYCOSYLATION, TYPE Ik. Identifiers: Orphanet 79327, MedGen C2931005, MONDO:0012052, OMIM 608540.

Allele frequency attached by ClinVar (database versions not stated): gnomAD exomes below 0.00001 and 0.00001; gnomAD 0.00001.
gnomAD v4.1: 8 of 1,611,888 alleles (0.0005%); highest among the groups gnomAD compares: East Asian, 0.018%; no homozygotes.

Submissions (2):

Ambry Genetics
Classification: Uncertain significance for Inborn genetic diseases. Last evaluated: 2025-12-10. Review status: criteria provided, single submitter. Criteria: Ambry Variant Classification Scheme 2023. Collection method: clinical testing. Allele origin: germline.
Comment: The c.832G>A (p.A278T) alteration is located in exon 7 (coding exon 7) of the ALG1 gene. This alteration results from a G to A substitution at nucleotide position 832, causing the alanine (A) at amino acid position 278 to be replaced by a threonine (T). Based on data from gnomAD, the A allele has an overall frequency of <0.001% (1/248452) total alleles studied. The highest observed frequency was 0.005% (1/18354) of East Asian alleles. Based on insufficient or conflicting evidence, the clinical significance of this alteration remains unclear.

Labcorp Genetics (formerly Invitae), Labcorp
Classification: Uncertain significance for ALG1-congenital disorder of glycosylation. Last evaluated: 2021-03-03. Review status: criteria provided, single submitter. Criteria: Invitae Variant Classification Sherloc (09022015). Collection method: clinical testing. Allele origin: germline.
Comment: This variant is not present in population databases (ExAC no frequency). This sequence change replaces alanine with threonine at codon 278 of the ALG1 protein (p.Ala278Thr). The alanine residue is highly conserved and there is a small physicochemical difference between alanine and threonine. This variant has not been reported in the literature in individuals with ALG1-related conditions. In summary, the available evidence is currently insufficient to determine the role of this variant in disease. Therefore, it has been classified as a Variant of Uncertain Significance. Advanced modeling of protein sequence and biophysical properties (such as structural, functional, and spatial information, amino acid conservation, physicochemical variation, residue mobility, and thermodynamic stability) performed at Invitae indicates that this missense variant is expected to disrupt ALG1 protein function.